The following is an entry in ClinVar:

NM_005045.4(RELN):c.1475del (p.Asn492fs)

Gene: RELN (reelin; minus strand). Cytogenetic location: 7q22.1.
Variant type: Deletion.
Coding change: c.1475del on transcript NM_005045.4 (MANE Select); coding-DNA position 1475, one base deleted (A; older notation c.1475delA).
Protein change: p.Asn492fs; shifts the reading frame from asparagine 492.
Molecular consequence: frameshift variant.
Genome position (GRCh38, 1-based): chr7:103,654,172, T deleted on the plus strand (A on the coding strand, the reverse complement: RELN is on the minus strand); the first of 4 consecutive T bases (chr7:103,654,172-103,654,175); deleting any one gives the same sequence. VCF-style (leftmost placement, unchanged base first): chr7-103654171-AT-A. GRCh37 (hg19) VCF-style: chr7-103294618-AT-A.
Other names: c.1475del, p.Asn492fs (NM_173054.3); short protein forms N492fs.
Identifiers: ClinVar variation 2116963 (VCV002116963.5), dbSNP rs1832979860, ClinGen allele CA1730831606.
Genomic context (GRCh38, chr7:103,654,171, plus strand): 5'-AAGGGTATCCAGTGTTATATGCTCTTTTCTTCCTTCAATTTTTGCATACAGGATTATGTC[AT>A]TTTCATGAGAATTTCCAGGGTCACAAATTCCTCCTGCACAAAACAAAAATTTTAAGTTGC-3'

ClinVar aggregate classification (germline): Pathogenic. Review status: criteria provided, multiple submitters, no conflicts (2 of 4 stars). 2 submissions from 2 submitters: Pathogenic (2). Last evaluated 2025-03-26.

Conditions:
Norman-Roberts syndrome (LIS2). Also called: Lissencephaly 2 (Norman-Roberts type). Identifiers: Orphanet 89844, MedGen C0796089, MONDO:0009760, OMIM 257320.
Familial temporal lobe epilepsy 7. Identifiers: Orphanet 101046, MedGen C4225327, MONDO:0014639, OMIM 616436.

Submissions (2):

Variantyx, Inc.
Classification: Pathogenic for Norman-Roberts syndrome. Last evaluated: 2025-03-26. Review status: criteria provided, single submitter. Criteria: Variantyx Assertion Criteria 2022. Collection method: clinical testing. Allele origin: maternal. Inheritance: Autosomal recessive inheritance.
Comment: This is a frameshift variant in RELN gene. The alteration results in the termination of translation in exon 13 of 65. Pathogenic variants in the RELN gene have been reported to cause autosomal recessive lissencephaly 2 (Norman-Roberts type). The alteration is expected to result in a loss of function, which is a known disease mechanism in this disorder (PMID: 10973257, 26046367, 28454995) (PVS1). The variant is absent from control population (PM2). Therefore, this variant is classified as pathogenic for autosomal recessive lissencephaly 2.

Labcorp Genetics (formerly Invitae), Labcorp
Classification: Pathogenic for Familial temporal lobe epilepsy 7; Norman-Roberts syndrome. Last evaluated: 2022-06-13. Review status: criteria provided, single submitter. Criteria: Invitae Variant Classification Sherloc (09022015). Collection method: clinical testing. Allele origin: germline.
Comment: For these reasons, this variant has been classified as Pathogenic. This variant has not been reported in the literature in individuals affected with RELN-related conditions. This variant is not present in population databases (gnomAD no frequency). This sequence change creates a premature translational stop signal (p.Asn492Metfs*3) in the RELN gene. It is expected to result in an absent or disrupted protein product. Loss-of-function variants in RELN are known to be pathogenic (PMID: 10973257, 26046367, 28454995).

Literature cited by the submitters: PubMed 10973257 (cited by Variantyx, Inc. and Labcorp Genetics (formerly Invitae), Labcorp); PubMed 26046367 (cited by Variantyx, Inc. and Labcorp Genetics (formerly Invitae), Labcorp); PubMed 28454995 (cited by Variantyx, Inc. and Labcorp Genetics (formerly Invitae), Labcorp).